The following is an entry in ClinVar:

ClinVar aggregate classification (germline): Benign/Likely benign. Review status: criteria provided, multiple submitters, no conflicts (2 of 4 stars). 5 submissions from 5 submitters: Benign (1); Likely benign (3). 1 of the submissions does not count toward it. Last evaluated 2025-08-17.

Conditions:
Familial thoracic aortic aneurysm and aortic dissection (TAAD). Also called: Thoracic aortic aneurysms and dissections. Identifiers: Orphanet 91387, MedGen C4707243, MONDO:0019625.
Shprintzen-Goldberg syndrome (SGS). Also called: Marfanoid disorder with craniosynostosis type 1; Marfanoid craniosynostosis syndrome; Shprintzen-Goldberg marfanoid syndrome; SHPRINTZEN-GOLDBERG CRANIOSYNOSTOSIS SYNDROME; CRANIOSYNOSTOSIS WITH ARACHNODACTYLY AND ABDOMINAL HERNIAS. Identifiers: Orphanet 2462, MedGen C1321551, MONDO:0008426, OMIM 182212.
SKI-related disorder. Also called: SKI-related condition.

Allele frequency attached by ClinVar (database versions not stated): gnomAD exomes 0.00005 and 0.00012; TOPMed 0.00007; ExAC 0.00012; gnomAD 0.00001.
gnomAD v4.1: 31 of 1,611,666 alleles (0.0019%); highest among the groups gnomAD compares: Admixed American, 0.05%; no homozygotes.

Submissions (5):

Labcorp Genetics (formerly Invitae), Labcorp
Classification: Likely benign for Shprintzen-Goldberg syndrome. Last evaluated: 2025-08-17. Review status: criteria provided, single submitter. Criteria: Invitae Variant Classification Sherloc (09022015). Collection method: clinical testing. Allele origin: germline.

ARUP Laboratories, Molecular Genetics and Genomics, ARUP Laboratories
Classification: Likely benign for Shprintzen-Goldberg syndrome. Last evaluated: 2024-11-11. Review status: criteria provided, single submitter. Criteria: ARUP Molecular Germline Variant Investigation Process 2024. Collection method: clinical testing. Allele origin: germline.

Women's Health and Genetics/Laboratory Corporation of America, LabCorp
Classification: Benign. Last evaluated: 2023-08-23. Review status: criteria provided, single submitter. Criteria: LabCorp Variant Classification Summary - May 2015. Collection method: clinical testing. Allele origin: germline.

Ambry Genetics
Classification: Likely benign for Familial thoracic aortic aneurysm and aortic dissection. Last evaluated: 2020-03-16. Review status: criteria provided, single submitter. Criteria: Ambry Variant Classification Scheme 2023. Collection method: clinical testing. Allele origin: germline.

PreventionGenetics, part of Exact Sciences
Classification: Likely benign for SKI-related condition. Last evaluated: 2023-04-26. Review status: no assertion criteria provided. Collection method: clinical testing. Allele origin: germline. Not counted in ClinVar's aggregate classification.
Comment: This variant is classified as likely benign based on ACMG/AMP sequence variant interpretation guidelines (Richards et al. 2015 PMID: 25741868, with internal and published modifications).

NM_003036.4(SKI):c.405G>T (p.Ser135=)

Gene: SKI (SKI proto-oncogene; plus strand). Cytogenetic location: 1p36.33.
Variant type: single nucleotide variant.
Coding change: c.405G>T on transcript NM_003036.4 (MANE Select); coding-DNA position 405, G replaced by T.
Protein change: p.Ser135=; no amino-acid change (serine 135 retained).
Molecular consequence: synonymous variant.
Genome position (GRCh38, 1-based): chr1:2,229,171, G>T. VCF-style: chr1-2229171-G-T. GRCh37 (hg19) VCF-style: chr1-2160610-G-T.
Identifiers: ClinVar variation 700094 (VCV000700094.16), dbSNP rs769774481, ClinGen allele CA536384.
Genomic context (GRCh38, chr1:2,229,171, plus strand): 5'-GGGAGGCGAGAAGCGCCTGTGTCTGCCGCAGATTCTCAACTCGGTGCTGCGCGACTTCTC[G>T]CTGCAGCAGATCAACGCGGTGTGCGACGAGCTCCACATCTACTGCTCGCGCTGCACGGCC-3'
Protein context (NP_003027.1, residues 125-145): QILNSVLRDF[Ser135=]LQQINAVCDE